The following is an entry in ClinVar:

ClinVar aggregate classification (germline): Uncertain significance (1 of 4 stars; one submission).

Allele frequency attached by ClinVar (database versions not stated): TOPMed below 0.00001; gnomAD exomes 0.00001; ExAC 0.00002.
gnomAD v4.1: 3 of 1,614,126 alleles (0.00019%); highest among the groups gnomAD compares: South Asian, 0.0033%; no homozygotes.

Submission:

Ambry Genetics
Classification: Uncertain significance. Last evaluated: 2023-07-21. Review status: criteria provided, single submitter. Criteria: Ambry Variant Classification Scheme 2023. Collection method: clinical testing. Allele origin: germline.
Comment: The p.I1566T variant (also known as c.4697T>C), located in coding exon 42 of the KIF1B gene, results from a T to C substitution at nucleotide position 4697. The isoleucine at codon 1566 is replaced by threonine, an amino acid with similar properties. This amino acid position is conserved. In addition, this alteration is predicted to be tolerated by in silico analysis. Since supporting evidence is limited at this time, the clinical significance of this alteration remains unclear.

NM_001365951.3(KIF1B):c.4835T>C (p.Ile1612Thr)

Gene: KIF1B (kinesin family member 1B; plus strand). Cytogenetic location: 1p36.22.
Variant type: single nucleotide variant.
Coding change: c.4835T>C on transcript NM_001365951.3 (MANE Select); coding-DNA position 4835, T replaced by C.
Protein change: p.Ile1612Thr; replaces isoleucine 1612 with threonine.
Molecular consequence: missense variant.
Genome position (GRCh38, 1-based): chr1:10,371,151, T>C. VCF-style: chr1-10371151-T-C. GRCh37 (hg19) VCF-style: chr1-10431209-T-C.
Other names: c.4835T>C, p.Ile1612Thr (NM_001365952.1); c.4697T>C, p.Ile1566Thr (NM_015074.3); short protein forms I1612T, I1566T.
Identifiers: ClinVar variation 2624377 (VCV002624377.2), dbSNP rs770495675, ClinGen allele CA582206.
Genomic context (GRCh38, chr1:10,371,151, plus strand): 5'-GGCAGCTTTTTTCAGCTGAATGTAACTTGTAGTGTTCGGTTTGCTTCCAGTTGTCTGATA[T>C]CTCTCCAATTGGACGGGATCCCTCTGAGTCCAGTTTCAGCAGTGCCACCCTCACTCCCTC-3'
Protein context (NP_001352880.1, residues 1602-1622): GSVSDCKLSD[Ile1612Thr]SPIGRDPSES